The following is an entry in ClinVar:

ClinVar aggregate classification (germline): Uncertain significance (1 of 4 stars; one submission).

Conditions:
Inborn genetic diseases. Identifiers: MedGen C0950123, MeSH D030342.

Submission:

Ambry Genetics
Classification: Uncertain significance for Inborn genetic diseases. Last evaluated: 2021-12-01. Review status: criteria provided, single submitter. Criteria: Ambry Variant Classification Scheme 2023. Collection method: clinical testing. Allele origin: germline.
Comment: The c.1168+6dupG intronic variant, results from a duplication of two nucleotides at nucleotide position 1168 after intron 11 of the FUS gene. This nucleotide position is not well conserved in available vertebrate species. In silico splice site analysis predicts that this alteration will not have any significant effect on splicing. Since supporting evidence is limited at this time, the clinical significance of this alteration remains unclear.

NM_004960.4(FUS):c.1168+6dup

Gene: FUS (FUS RNA binding protein; plus strand). Cytogenetic location: 16p11.2.
Variant type: Duplication.
Coding change: c.1168+6dup on transcript NM_004960.4 (MANE Select); 6 bases into the intron after coding-DNA position 1168, one base duplicated (G; older notation c.1168+6dupG).
Molecular consequence: intron variant.
Genome position (GRCh38, 1-based): chr16:31,190,147, G duplicated; the last of 2 consecutive G bases (chr16:31,190,146-31,190,147); duplicating either gives the same sequence. VCF-style (leftmost placement, unchanged base first): chr16-31190145-A-AG. GRCh37 (hg19) VCF-style: chr16-31201466-A-AG.
Other names: c.1156+6dup (NM_001170937.1); c.1165+6dup (NM_001170634.1).
Identifiers: ClinVar variation 1738590 (VCV001738590.2), dbSNP rs2544274890, ClinGen allele CA2575976195.